The following is an entry in ClinVar:

NM_020964.2(EPG5):c.[2T>C;5792delT]

Variant type: Haplotype.
Identifiers: ClinVar variation 267444 (VCV000267444.5).

ClinVar aggregate classification (germline): Pathogenic (0 of 4 stars; one submission).

Conditions:
Vici syndrome (VICIS). Identifiers: Orphanet 1493, MedGen C1855772, MONDO:0009452, OMIM 242840.

Submission:

Department Of Pediatrics And Neonatology, Nagoya City University Graduate School Of Medical Sciences
Classification: Pathogenic for Vici syndrome. Last evaluated: 2016-08-11. Review status: no assertion criteria provided. Collection method: research. Allele origin: germline. Affected: yes. Observed: 2 variant alleles.
Comment: This mutaion was confirmed compound heterozygosity.

The mutation was identified with whole-exome sequencing (WES) using Agilent SureSelect V5 probes and Illumina HiSeq 2000 Sequencer.

Literature cited by the submitters: PubMed 28615637; PubMed 3344762; PubMed 21965116.